The following is an entry in ClinVar:

ClinVar aggregate classification (germline): Uncertain significance. Review status: criteria provided, multiple submitters, no conflicts (2 of 4 stars). 2 submissions from 2 submitters: Uncertain significance (2). Last evaluated 2022-10-02.

Conditions:
Congenital contractural arachnodactyly (CCA). Also called: BEALS SYNDROME; Beals-Hecht syndrome; Arthrogryposis, distal, type 9. Identifiers: Orphanet 115, MedGen C0220668, MONDO:0007363, OMIM 121050.

Allele frequency attached by ClinVar (database versions not stated): TOPMed below 0.00001; gnomAD 0.00001.
gnomAD v4.1: 1 of 1,611,684 alleles (0.000062%); highest among the groups gnomAD compares: Non-Finnish European, 0.000085%; no homozygotes.

Submissions (2):

Labcorp Genetics (formerly Invitae), Labcorp
Classification: Uncertain significance for Congenital contractural arachnodactyly. Last evaluated: 2022-10-02. Review status: criteria provided, single submitter. Criteria: Invitae Variant Classification Sherloc (09022015). Collection method: clinical testing. Allele origin: germline.
Comment: In summary, the available evidence is currently insufficient to determine the role of this variant in disease. Therefore, it has been classified as a Variant of Uncertain Significance. This sequence change replaces glutamine, which is neutral and polar, with leucine, which is neutral and non-polar, at codon 206 of the FBN2 protein (p.Gln206Leu). This variant is not present in population databases (gnomAD no frequency). This variant has not been reported in the literature in individuals affected with FBN2-related conditions. Advanced modeling of protein sequence and biophysical properties (such as structural, functional, and spatial information, amino acid conservation, physicochemical variation, residue mobility, and thermodynamic stability) performed at Invitae indicates that this missense variant is not expected to disrupt FBN2 protein function.

GeneDx
Classification: Uncertain significance. Last evaluated: 2022-01-31. Review status: criteria provided, single submitter. Criteria: GeneDx Variant Classification Process June 2021. Collection method: clinical testing. Allele origin: germline. Affected: yes.
Comment: Has not been previously published as pathogenic or benign to our knowledge; Not observed at significant frequency in large population cohorts (gnomAD); In silico analysis supports that this missense variant has a deleterious effect on protein structure/function; Although located in a calcium-binding EGF-like domain of the FBN2 gene, it does not affect a cysteine residue within this domain; cysteine substitutions in the calcium-binding EGF-like domains represent the majority of pathogenic missense changes associated with FBN2-related disorders (Frdric et al., 2009); This variant is associated with the following publications: (PMID: 18767143)

NM_001999.4(FBN2):c.617A>T (p.Gln206Leu)

Gene: FBN2 (fibrillin 2; minus strand). Cytogenetic location: 5q23.3.
Variant type: single nucleotide variant.
Coding change: c.617A>T on transcript NM_001999.4 (MANE Select); coding-DNA position 617, A replaced by T.
Protein change: p.Gln206Leu; replaces glutamine 206 with leucine.
Molecular consequence: missense variant.
Genome position (GRCh38, 1-based): chr5:128,519,284, T>A on the plus strand (A>T on the coding strand, the complement: FBN2 is on the minus strand). VCF-style: chr5-128519284-T-A. GRCh37 (hg19) VCF-style: chr5-127854977-T-A.
Other names: short protein forms Q206L.
Identifiers: ClinVar variation 1699648 (VCV001699648.7), dbSNP rs1207752455, ClinGen allele CA360755685.